The following is an entry in ClinVar:

ClinVar aggregate classification (germline): Likely pathogenic (1 of 4 stars; one submission).

Conditions:
CEBALID syndrome (CEBALID). Also called: CRANIOFACIAL DEFECTS, DYSMORPHIC EARS, STRUCTURAL BRAIN ABNORMALITIES, EXPRESSIVE LANGUAGE DELAY, AND IMPAIRED INTELLECTUAL DEVELOPMENT; MN1 C-TERMINAL TRUNCATION SYNDROME. Identifiers: Orphanet 693549, MedGen C5394044, MONDO:0032908, OMIM 618774.

Submission:

Molecular Genetics Department, Kulakov National Medical Research Center for Obstetrics, Gynecology and Perinatology
Classification: Likely pathogenic for CEBALID syndrome. Review status: criteria provided, single submitter. Criteria: ACMG Guidelines, 2015. Collection method: clinical testing. Allele origin: germline. Affected: yes. Observed: 1 variant allele.
Comment: A previously undescribed heterozygous nucleotide variant creates a frameshift p.Met246ValfsTer5 in the MN1 gene. Heterozygous variants of this type are reported in patients with cEBALID syndrome, 618774. Clinical variability has been described for this syndrome (OMIM:618774). The variant is not present in population database (gnomAD no frequency). In summary, the currently available evidence indicates that the variant is pathogenic, but additional data are needed to prove that conclusively. Therefore, this variant has been classified as likely pathogenic.

NM_002430.3(MN1):c.736_737del (p.Met246fs)

Gene: MN1 (MN1 proto-oncogene, transcriptional regulator; minus strand). Cytogenetic location: 22q12.1.
Variant type: Deletion.
Coding change: c.736_737del on transcript NM_002430.3 (MANE Select); coding-DNA positions 736 to 737, 2 bases deleted (AT; older notation c.736_737delAT).
Protein change: p.Met246fs; shifts the reading frame from methionine 246.
Molecular consequence: frameshift variant.
Genome position (GRCh38, 1-based): chr22:27,799,807-27,799,808, AT deleted on the plus strand (AT on the coding strand, the reverse complement: MN1 is on the minus strand). VCF-style (leftmost placement, unchanged base first): chr22-27799806-CAT-C. GRCh37 (hg19) VCF-style: chr22-28195794-CAT-C.
Other names: short protein forms M246fs.
Identifiers: ClinVar variation 4294434 (VCV004294434.1).
Genomic context (GRCh38, chr22:27,799,806, plus strand): 5'-AGGAACCTGGCGACCCGCTGCATAATGAGGCAGCTGCCCTTCGGAGTCAGAGGGCGAAAA[CAT>C]GTCAAAATGTCCCGAGGGCGCCTCGCCCGGGTAATTGTATTCCAGCGAGTCGACGGCTCC-3'